The following is an entry in ClinVar:

ClinVar aggregate classification (germline): Pathogenic. Review status: criteria provided, single submitter (1 of 4 stars). 2 submissions from 2 submitters: Pathogenic (1). 1 of the submissions does not count toward it. Last evaluated 2023-05-23.

Conditions:
Elliptocytosis 2 (EL2). Also called: ELLIPTOCYTOSIS, RHESUS-UNLINKED TYPE. Identifiers: Orphanet 288, MedGen C1851741, MONDO:0007533, OMIM 130600.

Allele frequency attached by ClinVar (database versions not stated): gnomAD 0.00001.

Submissions (2):

Labcorp Genetics (formerly Invitae), Labcorp
Classification: Pathogenic. Last evaluated: 2023-05-23. Review status: criteria provided, single submitter. Criteria: Invitae Variant Classification Sherloc (09022015). Collection method: clinical testing. Allele origin: germline.
Comment: For these reasons, this variant has been classified as Pathogenic. ClinVar contains an entry for this variant (Variation ID: 1343229). This variant has not been reported in the literature in individuals affected with SPTA1-related conditions. This variant is not present in population databases (gnomAD no frequency). This sequence change creates a premature translational stop signal (p.Arg1507*) in the SPTA1 gene. It is expected to result in an absent or disrupted protein product. Loss-of-function variants in SPTA1 are known to be pathogenic (PMID: 9192783, 18815189, 31333484, 31723846, 32266426).

Institute of Human Genetics, Heidelberg University
Classification: Likely pathogenic for Elliptocytosis 2. Last evaluated: 2021-12-20. Review status: no assertion criteria provided. Collection method: clinical testing. Allele origin: germline. Affected: yes. Not counted in ClinVar's aggregate classification.

Literature cited by the submitters: PubMed 9192783 (cited by Labcorp Genetics (formerly Invitae), Labcorp); PubMed 18815189 (cited by Labcorp Genetics (formerly Invitae), Labcorp); PubMed 31333484 (cited by Labcorp Genetics (formerly Invitae), Labcorp); PubMed 31723846 (cited by Labcorp Genetics (formerly Invitae), Labcorp); PubMed 32266426 (cited by Labcorp Genetics (formerly Invitae), Labcorp).

NM_003126.4(SPTA1):c.4519C>T (p.Arg1507Ter)

Gene: SPTA1 (spectrin alpha, erythrocytic 1; minus strand). Cytogenetic location: 1q23.1.
Variant type: single nucleotide variant.
Coding change: c.4519C>T on transcript NM_003126.4 (MANE Select); coding-DNA position 4519, C replaced by T.
Protein change: p.Arg1507Ter; replaces arginine 1507 with a stop codon.
Molecular consequence: nonsense.
Genome position (GRCh38, 1-based): chr1:158,642,900, G>A on the plus strand (C>T on the coding strand, the complement: SPTA1 is on the minus strand). VCF-style: chr1-158642900-G-A. GRCh37 (hg19) VCF-style: chr1-158612690-G-A.
Other names: short protein forms R1507*.
Identifiers: ClinVar variation 1343229 (VCV001343229.8), dbSNP rs1651716612, ClinGen allele CA343030898.